The following is an entry in ClinVar:

ClinVar aggregate classification (germline): Uncertain significance (1 of 4 stars; one submission).

Conditions:
Epilepsy. Also called: Seizure disorder. Identifiers: MedGen C0014544, MeSH D004827, MONDO:0005027.

Submission:

Labcorp Genetics (formerly Invitae), Labcorp
Classification: Uncertain significance for Epilepsy. Last evaluated: 2022-08-17. Review status: criteria provided, single submitter. Criteria: Invitae Variant Classification Sherloc (09022015). Collection method: clinical testing. Allele origin: germline.
Comment: In summary, the available evidence is currently insufficient to determine the role of this variant in disease. Therefore, it has been classified as a Variant of Uncertain Significance. Algorithms developed to predict the effect of missense changes on protein structure and function (SIFT, PolyPhen-2, Align-GVGD) all suggest that this variant is likely to be disruptive. This variant has not been reported in the literature in individuals affected with PIGQ-related conditions. This variant is not present in population databases (gnomAD no frequency). This sequence change replaces glycine, which is neutral and non-polar, with aspartic acid, which is acidic and polar, at codon 380 of the PIGQ protein (p.Gly380Asp).

NM_004204.5(PIGQ):c.1139G>A (p.Gly380Asp)

Gene: PIGQ (phosphatidylinositol glycan anchor biosynthesis class Q; plus strand). Cytogenetic location: 16p13.3.
Variant type: single nucleotide variant.
Coding change: c.1139G>A on transcript NM_004204.5 (MANE Select); coding-DNA position 1139, G replaced by A.
Protein change: p.Gly380Asp; replaces glycine 380 with aspartic acid.
Molecular consequence: missense variant.
Genome position (GRCh38, 1-based): chr16:578,854, G>A. VCF-style: chr16-578854-G-A. GRCh37 (hg19) VCF-style: chr16-628854-G-A.
Other names: c.1139G>A, p.Gly380Asp (NM_148920.4); short protein forms G380D.
Identifiers: ClinVar variation 1715972 (VCV001715972.5), dbSNP rs2505936891, ClinGen allele CA394056973.